The following is an entry in ClinVar:

NM_002907.4(RECQL):c.501+219A>G

Gene: RECQL (RecQ like helicase; minus strand). Cytogenetic location: 12p12.1.
Variant type: single nucleotide variant.
Coding change: c.501+219A>G on transcript NM_002907.4 (MANE Select); 219 bases into the intron after coding-DNA position 501, A replaced by G.
Molecular consequence: intron variant.
Genome position (GRCh38, 1-based): chr12:21,486,260, T>C on the plus strand (A>G on the coding strand, the complement: RECQL is on the minus strand). VCF-style: chr12-21486260-T-C. GRCh37 (hg19) VCF-style: chr12-21639194-T-C.
Other names: c.501+219A>G (NM_032941.3).
Identifiers: ClinVar variation 679724 (VCV000679724.1), dbSNP rs66935820, ClinGen allele CA233580574.
Genomic context (GRCh38, chr12:21,486,260, plus strand): 5'-TTTATTTATGGATACTGAAACTTGAATTGCAAATAATTTTCCCATTTCACAAAATATTCT[T>C]TTTAGATTTTTTTTAGCCATTTAAAAATATAAAAACCATTCTTAACTCATGGGACATACA-3'

ClinVar aggregate classification (germline): Benign (1 of 4 stars; one submission).

Allele frequency attached by ClinVar (database versions not stated): 1000 Genomes Project 0.12320; 1000 Genomes Project 30x 0.12820; gnomAD 0.15100 and 0.15665; TOPMed 0.16048.
gnomAD v4.1: 23,044 of 152,152 alleles (15%); highest among the groups gnomAD compares: Middle Eastern, 27%; 2,095 homozygotes.

Submission:

GeneDx
Classification: Benign. Last evaluated: 2018-06-20. Review status: criteria provided, single submitter. Criteria: GeneDx Variant Classification (06012015). Collection method: clinical testing. Allele origin: germline. Affected: yes.
Comment: This variant is considered likely benign or benign based on one or more of the following criteria: it is a conservative change, it occurs at a poorly conserved position in the protein, it is predicted to be benign by multiple in silico algorithms, and/or has population frequency not consistent with disease.